The following is an entry in ClinVar:

NM_006180.6(NTRK2):c.1282C>G (p.Arg428Gly)

Gene: NTRK2 (neurotrophic receptor tyrosine kinase 2; plus strand). Cytogenetic location: 9q21.33.
Variant type: single nucleotide variant.
Coding change: c.1282C>G on transcript NM_006180.6 (MANE Select); coding-DNA position 1282, C replaced by G.
Protein change: p.Arg428Gly; replaces arginine 428 with glycine.
Molecular consequence: missense variant.
Genome position (GRCh38, 1-based): chr9:84,745,059, C>G. VCF-style: chr9-84745059-C-G. GRCh37 (hg19) VCF-style: chr9-87359974-C-G.
Other names: c.1243C>G, p.Arg415Gly (NM_001369546.1, NM_001291937.2); c.1282C>G, p.Arg428Gly (NM_001369547.1, NM_001018065.2, NM_001018066.3 and 16 more transcripts); c.1246C>G, p.Arg416Gly (NM_001369534.1); c.814C>G, p.Arg272Gly (NM_001369535.1, NM_001369536.1, NM_001369550.1 and 2 more transcripts); short protein forms R272G, R415G, R416G, R428G.
Identifiers: ClinVar variation 2861934 (VCV002861934.3), dbSNP rs958492686, ClinGen allele CA374007001.
Genomic context (GRCh38, chr9:84,745,059, plus strand): 5'-GGGGACACCACGAACAGAAGTAATGAAATCCCTTCCACAGACGTCACTGATAAAACCGGT[C>G]GGGAACATCTCTCGGTGAGTGGAATAAATAGGTGTCTGAATTGGTTCTGAGCATTTTGGA-3'
Protein context (NP_006171.2, residues 418-438): PSTDVTDKTG[Arg428Gly]EHLSVYAVVV

ClinVar aggregate classification (germline): Uncertain significance (1 of 4 stars; one submission).

gnomAD v4.1: 3 of 1,613,072 alleles (0.00019%); highest among the groups gnomAD compares: Middle Eastern, 0.016%; no homozygotes.

Submission:

Labcorp Genetics (formerly Invitae), Labcorp
Classification: Uncertain significance. Last evaluated: 2023-05-04. Review status: criteria provided, single submitter. Criteria: Invitae Variant Classification Sherloc (09022015). Collection method: clinical testing. Allele origin: germline.
Comment: In summary, the available evidence is currently insufficient to determine the role of this variant in disease. Therefore, it has been classified as a Variant of Uncertain Significance. Advanced modeling of protein sequence and biophysical properties (such as structural, functional, and spatial information, amino acid conservation, physicochemical variation, residue mobility, and thermodynamic stability) performed at Invitae indicates that this missense variant is expected to disrupt NTRK2 protein function. This variant has not been reported in the literature in individuals affected with NTRK2-related conditions. This variant is not present in population databases (gnomAD no frequency). This sequence change replaces arginine, which is basic and polar, with glycine, which is neutral and non-polar, at codon 428 of the NTRK2 protein (p.Arg428Gly).